The following is an entry in ClinVar:

ClinVar aggregate classification (germline): Uncertain significance (1 of 4 stars; one submission).

Submission:

GeneDx
Classification: Uncertain significance. Last evaluated: 2025-07-10. Review status: criteria provided, single submitter. Criteria: GeneDx Variant Classification Process June 2021. Collection method: clinical testing. Allele origin: germline.
Comment: Not observed at significant frequency in large population cohorts (gnomAD); In silico analysis supports that this missense variant has a deleterious effect on protein structure/function; Has not been previously published as pathogenic or benign to our knowledge

NM_004369.4(COL6A3):c.3494T>A (p.Ile1165Asn)

Gene: COL6A3 (collagen type VI alpha 3 chain; minus strand). Cytogenetic location: 2q37.3.
Variant type: single nucleotide variant.
Coding change: c.3494T>A on transcript NM_004369.4 (MANE Select); coding-DNA position 3494, T replaced by A.
Protein change: p.Ile1165Asn; replaces isoleucine 1165 with asparagine.
Molecular consequence: missense variant.
Genome position (GRCh38, 1-based): chr2:237,374,597, A>T on the plus strand (T>A on the coding strand, the complement: COL6A3 is on the minus strand). VCF-style: chr2-237374597-A-T. GRCh37 (hg19) VCF-style: chr2-238283240-A-T.
Other names: c.2273T>A, p.Ile758Asn (NM_057164.5); c.2876T>A, p.Ile959Asn (NM_057165.5, NM_057167.4); c.1673T>A, p.Ile558Asn (NM_057166.5); short protein forms I1165N, I558N, I758N, I959N.
Identifiers: ClinVar variation 2662048 (VCV002662048.2), dbSNP rs779290907, ClinGen allele CA351202497.